The following is an entry in ClinVar:

NM_000264.5(PTCH1):c.3394T>C (p.Ser1132Pro)

Gene: PTCH1 (patched 1; minus strand). Cytogenetic location: 9q22.32.
Variant type: single nucleotide variant.
Coding change: c.3394T>C on transcript NM_000264.5 (MANE Select); coding-DNA position 3394, T replaced by C.
Protein change: p.Ser1132Pro; replaces serine 1132 with proline.
Molecular consequence: missense variant. On other transcripts: non-coding transcript variant (1).
Genome position (GRCh38, 1-based): chr9:95,453,533, A>G on the plus strand (T>C on the coding strand, the complement: PTCH1 is on the minus strand). VCF-style: chr9-95453533-A-G. GRCh37 (hg19) VCF-style: chr9-98215815-A-G.
Other names: c.3196T>C, p.Ser1066Pro (NM_001083602.3); c.3391T>C, p.Ser1131Pro (NM_001083603.3); c.2941T>C, p.Ser981Pro (NM_001083604.3, NM_001083605.3, NM_001083606.3 and 1 more transcripts); c.3238T>C, p.Ser1080Pro (NM_001354918.2); short protein forms S1066P, S1132P, S981P, S1131P, S1080P.
Identifiers: ClinVar variation 237478 (VCV000237478.11), dbSNP rs878853856, ClinGen allele CA10582674.

ClinVar aggregate classification (germline): Pathogenic/Likely pathogenic. Review status: criteria provided, multiple submitters, no conflicts (2 of 4 stars). 3 submissions from 3 submitters: Pathogenic (2); Likely pathogenic (1). Last evaluated 2024-03-13.

Conditions:
Hereditary cancer-predisposing syndrome. Also called: Tumor predisposition; Hereditary Cancer Syndrome; Hereditary neoplastic syndrome; Neoplastic Syndromes, Hereditary. Identifiers: Orphanet 140162, MedGen C0027672, MeSH D009386, MONDO:0015356.
Gorlin syndrome. Also called: Nevoid Basal Cell Carcinoma Syndrome; Basal cell nevus syndrome. Identifiers: Orphanet 377, MedGen C0004779, MONDO:0007187.

Submissions (3):

Ambry Genetics
Classification: Pathogenic for Hereditary cancer-predisposing syndrome. Last evaluated: 2024-03-13. Review status: criteria provided, single submitter. Criteria: Ambry Variant Classification Scheme 2023. Collection method: clinical testing. Allele origin: germline.
Comment: The p.S1132P pathogenic mutation (also known as c.3394T>C), located in coding exon 20 of the PTCH1 gene, results from a T to C substitution at nucleotide position 3394. The serine at codon 1132 is replaced by proline, an amino acid with similar properties. This variant has been observed in multiple individual with a personal and/or family history that is consistent with Nevoid basal cell carcinoma syndrome (Reifenberger J et al. J Invest Dermatol, 2001 Mar;116:472-4; Shimada Y et al. PLoS One, 2013 Aug;8:e70995; Guo YY et al. PLoS One, 2013 Oct;8:e77305; Morita K et al. PLoS One, 2015 Nov;10:e0140480; Ambry internal data). In addition, this alteration is predicted to be deleterious by in silico analysis. Based on the supporting evidence, this alteration is interpreted as a disease-causing mutation.

Labcorp Genetics (formerly Invitae), Labcorp
Classification: Pathogenic for Gorlin syndrome. Last evaluated: 2023-11-15. Review status: criteria provided, single submitter. Criteria: Invitae Variant Classification Sherloc (09022015). Collection method: clinical testing. Allele origin: germline.
Comment: This sequence change replaces serine, which is neutral and polar, with proline, which is neutral and non-polar, at codon 1132 of the PTCH1 protein (p.Ser1132Pro). This variant is not present in population databases (gnomAD no frequency). This missense change has been observed in individuals with a personal and/or family history of basal cell nevus syndrome (PMID: 11231326, 23951062; Invitae). ClinVar contains an entry for this variant (Variation ID: 237478). Advanced modeling of protein sequence and biophysical properties (such as structural, functional, and spatial information, amino acid conservation, physicochemical variation, residue mobility, and thermodynamic stability) has been performed at Invitae for this missense variant, however the output from this modeling did not meet the statistical confidence thresholds required to predict the impact of this variant on PTCH1 protein function. For these reasons, this variant has been classified as Pathogenic.

Women's Health and Genetics/Laboratory Corporation of America, LabCorp
Classification: Likely pathogenic for Gorlin syndrome. Last evaluated: 2022-12-14. Review status: criteria provided, single submitter. Criteria: LabCorp Variant Classification Summary - May 2015. Collection method: clinical testing. Allele origin: germline.
Comment: Variant summary: PTCH1 c.3394T>C (p.Ser1132Pro) results in a non-conservative amino acid change in the encoded protein sequence. Five of five in-silico tools predict a damaging effect of the variant on protein function. The variant was absent in 251354 control chromosomes. c.3394T>C has been reported in the literature in individuals affected with Nevoid Basal Cell Carcinoma Syndrome (Gorlin Syndrome) (e.g. Reifenberger_2001, Shimada_2013, Morita_2015). These data indicate that the variant may be associated with disease. Co-occurrence with a pathogenic variant has been reported (BRCA1 c.848ins817-847). To our knowledge, no experimental evidence demonstrating an impact on protein function has been reported, however, another amino acid change located at the same codon (p.Ser1132Tyr in Chidambaram_1996) has been reported in association with Nevoid Basal Cell Carcinoma Syndrome suggesting the functional relevance of this residue to overall protein function. One clinical diagnostic laboratory has submitted clinical-significance assessments for this variant to ClinVar after 2014 without evidence for independent evaluation and classified the variant as pathogenic. Based on the evidence outlined above, the variant was classified as likely pathogenic.

Literature cited by the submitters: PubMed 11231326 (cited by 3 submitters); PubMed 23951062 (cited by 3 submitters); PubMed 24204797 (cited by Ambry Genetics); PubMed 26544948 (cited by Ambry Genetics and Women's Health and Genetics/Laboratory Corporation of America, LabCorp); PubMed 8840969 (cited by Women's Health and Genetics/Laboratory Corporation of America, LabCorp).